The following is an entry in ClinVar:

ClinVar aggregate classification (germline): Conflicting classifications of pathogenicity. Review status: criteria provided, conflicting classifications (1 of 4 stars). 3 submissions from 3 submitters: Uncertain significance (2); Likely benign (1). Last evaluated 2024-07-11.

Conditions:
Cardiovascular phenotype. Identifiers: MedGen CN230736.
Familial hypobetalipoproteinemia 1. Also called: Hypobetalipoproteinemia, normotriglyceridemic; Acanthocytosis with hypobetalipoproteinemia; APOB-Related Familial Hypobetalipoproteinemia. Identifiers: MedGen C4551990, MONDO:0014252, OMIM 615558.
Hypercholesterolemia, autosomal dominant, type B (FHCL2). Also called: Familial Hypercholesterolemia Type B; HYPERCHOLESTEROLEMIA, FAMILIAL, DUE TO LIGAND-DEFECTIVE APOLIPOPROTEIN B; Familial hypercholesterolemia 2; APOB-Related Familial Hypercholesterolemia, Autosomal Dominant; APOLIPOPROTEIN B-100, FAMILIAL DEFECTIVE; APOLIPOPROTEIN B-100, FAMILIAL LIGAND-DEFECTIVE. Identifiers: MedGen C1704417, MONDO:0007751, OMIM 144010.

Allele frequency attached by ClinVar (database versions not stated): gnomAD 0.00001; TOPMed 0.00002.

Submissions (3):

Ambry Genetics
Classification: Likely benign for Cardiovascular phenotype. Last evaluated: 2024-07-11. Review status: criteria provided, single submitter. Criteria: Ambry Variant Classification Scheme 2023. Collection method: clinical testing. Allele origin: germline.

Labcorp Genetics (formerly Invitae), Labcorp
Classification: Uncertain significance for Familial hypobetalipoproteinemia 1; Hypercholesterolemia, autosomal dominant, type B. Last evaluated: 2024-06-01. Review status: criteria provided, single submitter. Criteria: Invitae Variant Classification Sherloc (09022015). Collection method: clinical testing. Allele origin: germline.
Comment: This sequence change replaces methionine, which is neutral and non-polar, with isoleucine, which is neutral and non-polar, at codon 1049 of the APOB protein (p.Met1049Ile). This variant is present in population databases (no rsID available, gnomAD 0.0009%). This variant has not been reported in the literature in individuals affected with APOB-related conditions. ClinVar contains an entry for this variant (Variation ID: 918933). Advanced modeling of protein sequence and biophysical properties (such as structural, functional, and spatial information, amino acid conservation, physicochemical variation, residue mobility, and thermodynamic stability) performed at Invitae indicates that this missense variant is not expected to disrupt APOB protein function with a negative predictive value of 95%. In summary, the available evidence is currently insufficient to determine the role of this variant in disease. Therefore, it has been classified as a Variant of Uncertain Significance.

Fulgent Genetics
Classification: Uncertain significance for Hypercholesterolemia, autosomal dominant, type B; Familial hypobetalipoproteinemia 1. Last evaluated: 2021-09-25. Review status: criteria provided, single submitter. Criteria: ACMG Guidelines, 2015. Collection method: clinical testing. Allele origin: unknown.

NM_000384.3(APOB):c.3147G>C (p.Met1049Ile)

Gene: APOB (apolipoprotein B; minus strand). Cytogenetic location: 2p24.1.
Variant type: single nucleotide variant.
Coding change: c.3147G>C on transcript NM_000384.3 (MANE Select); coding-DNA position 3147, G replaced by C.
Protein change: p.Met1049Ile; replaces methionine 1049 with isoleucine.
Molecular consequence: missense variant.
Genome position (GRCh38, 1-based): chr2:21,016,624, C>G on the plus strand (G>C on the coding strand, the complement: APOB is on the minus strand). VCF-style: chr2-21016624-C-G. GRCh37 (hg19) VCF-style: chr2-21239496-C-G.
Other names: short protein forms M1049I.
Identifiers: ClinVar variation 918933 (VCV000918933.10), dbSNP rs556469321, ClinGen allele CA43514902.